The following is an entry in ClinVar:

NM_015569.5(DNM3):c.2358C>T (p.Gly786=)

Gene: DNM3 (dynamin 3; plus strand). Cytogenetic location: 1q24.3.
Variant type: single nucleotide variant.
Coding change: c.2358C>T on transcript NM_015569.5 (MANE Select); coding-DNA position 2358, C replaced by T.
Protein change: p.Gly786=; no amino-acid change (glycine 786 retained).
Molecular consequence: synonymous variant. On other transcripts: non-coding transcript variant (1).
Genome position (GRCh38, 1-based): chr1:172,388,645, C>T. VCF-style: chr1-172388645-C-T. GRCh37 (hg19) VCF-style: chr1-172357785-C-T.
Other names: c.2346C>T, p.Gly782= (NM_001136127.3); c.2376C>T, p.Gly792= (NM_001350204.2, NM_001350206.2).
Identifiers: ClinVar variation 2639562 (VCV002639562.24), dbSNP rs372714532, ClinGen allele CA1245798.
Genomic context (GRCh38, chr1:172,388,645, plus strand): 5'-AAGCCCCACAACCCAAAGGAGGCCAACACTAAGTGCTCCCCTCGCAAGGCCCACATCCGG[C>T]CGAGGACCAGCTCCTGCCATTCCCTCTCCTGGCCCCCACTCTGGGGCTCCTCCAGTCCCA-3'
Protein context (NP_056384.2, residues 776-796): LSAPLARPTS[Gly786=]RGPAPAIPSP

ClinVar aggregate classification (germline): Likely benign (1 of 4 stars; one submission).

Allele frequency attached by ClinVar (database versions not stated): ESP Exome Variant Server 0.00008; gnomAD 0.00018; TOPMed 0.00022; ExAC 0.00029.
gnomAD v4.1: 293 of 1,613,912 alleles (0.018%); highest among the groups gnomAD compares: Middle Eastern, 0.016%; no homozygotes.

Submission:

CeGaT Center for Human Genetics Tuebingen
Classification: Likely benign. Last evaluated: 2023-02-01. Review status: criteria provided, single submitter. Criteria: CeGaT Center For Human Genetics Tuebingen Variant Classification Criteria Version 2. Collection method: clinical testing. Allele origin: germline. Affected: yes. Observed: 1 variant allele.
Comment: DNM3: BP4, BP7